The following is an entry in ClinVar:

NM_004771.4(MMP20):c.274A>G (p.Met92Val)

Gene: MMP20 (matrix metallopeptidase 20; minus strand). Cytogenetic location: 11q22.2.
Variant type: single nucleotide variant.
Coding change: c.274A>G on transcript NM_004771.4 (MANE Select); coding-DNA position 274, A replaced by G.
Protein change: p.Met92Val; replaces methionine 92 with valine.
Molecular consequence: missense variant.
Genome position (GRCh38, 1-based): chr11:102,616,912, T>C on the plus strand (A>G on the coding strand, the complement: MMP20 is on the minus strand). VCF-style: chr11-102616912-T-C. GRCh37 (hg19) VCF-style: chr11-102487643-T-C.
Other names: short protein forms M92V.
Identifiers: ClinVar variation 301955 (VCV000301955.10), dbSNP rs61730848, ClinGen allele CA6248519.
Genomic context (GRCh38, chr11:102,616,912, plus strand): 5'-GGAAGAGGCGATAATTGGCCACATCAGGAACTCCACAGCGAGGCTTCTTGATCACGTTCA[T>C]TGTGGTCTGGTCTAACTTCCCGGTGACTTGGAGGCCAAAGAACGCTTGTAGCTCCTTAAT-3'
Protein context (NP_004762.2, residues 82-102): QVTGKLDQTT[Met92Val]NVIKKPRCGV

ClinVar aggregate classification (germline): Conflicting classifications of pathogenicity. Review status: criteria provided, conflicting classifications (1 of 4 stars). 3 submissions from 3 submitters: Uncertain significance (1); Benign (1). 1 of the submissions does not count toward it. Last evaluated 2018-07-11.

Conditions:
MMP20-related disorder. Also called: MMP20-related condition.
Amelogenesis imperfecta hypomaturation type 2A2. Also called: Amelogenesis imperfecta, type IIA2; AMELOGENESIS IMPERFECTA, PIGMENTED HYPOMATURATION TYPE, 2; Amelogenesis imperfecta, hypomaturation type, IIA2. Identifiers: Orphanet 88661, MedGen C2675858, MONDO:0012926, OMIM 612529. Disease mechanism: loss of function.

Allele frequency attached by ClinVar (database versions not stated): gnomAD exomes 0.00020 and 0.00062; ExAC 0.00077; gnomAD 0.00217 and 0.00223; ESP Exome Variant Server 0.00238; 1000 Genomes Project 0.00240; TOPMed 0.00243; 1000 Genomes Project 30x 0.00265.
gnomAD v4.1: 660 of 1,614,194 alleles (0.041%); highest among the groups gnomAD compares: African/African-American, 0.68%; 6 homozygotes.

Submissions (3):

Labcorp Genetics (formerly Invitae), Labcorp
Classification: Benign. Last evaluated: 2018-07-11. Review status: criteria provided, single submitter. Criteria: Invitae Variant Classification Sherloc (09022015). Collection method: clinical testing. Allele origin: germline.

Illumina Laboratory Services, Illumina
Classification: Uncertain significance for Amelogenesis imperfecta hypomaturation type 2A2. Last evaluated: 2018-01-12. Review status: criteria provided, single submitter. Criteria: ICSL Variant Classification Criteria 13 December 2019. Collection method: clinical testing. Allele origin: germline.

PreventionGenetics, part of Exact Sciences
Classification: Likely benign for MMP20-related condition. Last evaluated: 2020-03-09. Review status: no assertion criteria provided. Collection method: clinical testing. Allele origin: germline. Not counted in ClinVar's aggregate classification.
Comment: This variant is classified as likely benign based on ACMG/AMP sequence variant interpretation guidelines (Richards et al. 2015 PMID: 25741868, with internal and published modifications).